The following is an entry in ClinVar:

ClinVar aggregate classification (germline): Uncertain significance (1 of 4 stars; one submission).

Allele frequency attached by ClinVar (database versions not stated): ExAC 0.00001; gnomAD 0.00001; TOPMed 0.00002.
gnomAD v4.1: 13 of 1,611,504 alleles (0.00081%); highest among the groups gnomAD compares: Non-Finnish European, 0.001%; no homozygotes.

Submission:

Labcorp Genetics (formerly Invitae), Labcorp
Classification: Uncertain significance. Last evaluated: 2022-08-05. Review status: criteria provided, single submitter. Criteria: Invitae Variant Classification Sherloc (09022015). Collection method: clinical testing. Allele origin: germline.
Comment: This variant is present in population databases (rs768787708, gnomAD 0.002%). This variant has not been reported in the literature in individuals affected with AIMP2-related conditions. Algorithms developed to predict the effect of missense changes on protein structure and function are either unavailable or do not agree on the potential impact of this missense change (SIFT: "Tolerated"; PolyPhen-2: "Possibly Damaging"; Align-GVGD: "Class C0"). In summary, the available evidence is currently insufficient to determine the role of this variant in disease. Therefore, it has been classified as a Variant of Uncertain Significance. This sequence change replaces leucine, which is neutral and non-polar, with phenylalanine, which is neutral and non-polar, at codon 16 of the AIMP2 protein (p.Leu16Phe).

NM_006303.4(AIMP2):c.46C>T (p.Leu16Phe)

Gene: AIMP2 (aminoacyl tRNA synthetase complex interacting multifunctional protein 2; plus strand). Cytogenetic location: 7p22.1.
Variant type: single nucleotide variant.
Coding change: c.46C>T on transcript NM_006303.4 (MANE Select); coding-DNA position 46, C replaced by T.
Protein change: p.Leu16Phe; replaces leucine 16 with phenylalanine.
Molecular consequence: missense variant. On other transcripts: 5 prime UTR variant (1), intron variant (3).
Genome position (GRCh38, 1-based): chr7:6,009,409, C>T. VCF-style: chr7-6009409-C-T. GRCh37 (hg19) VCF-style: chr7-6049040-C-T.
Other names: c.46C>T, p.Leu16Phe (NM_001326607.2); c.-275C>T (NM_001326609.2); c.-238+31C>T (NM_001326611.3); c.-251+31C>T (NM_001326610.2); c.15+31C>T (NM_001326606.2); short protein forms L16F.
Identifiers: ClinVar variation 2185580 (VCV002185580.3), dbSNP rs768787708, ClinGen allele CA4150175.
Genomic context (GRCh38, chr7:6,009,409, plus strand): 5'-TGCTTTGGTTCTGCCATGCCGATGTACCAGGTAAAGCCCTATCACGGGGGCGGCGCGCCT[C>T]TCCGTGTGGAGCTTCCCACCTGCATGTACCGGCTCCCCAACGTGCACGGCAGGAGCTACG-3'
Protein context (NP_006294.2, residues 6-26): VKPYHGGGAP[Leu16Phe]RVELPTCMYR